The following is an entry in ClinVar:

ClinVar aggregate classification (germline): Conflicting classifications of pathogenicity. Review status: criteria provided, conflicting classifications (1 of 4 stars). 4 submissions from 4 submitters: Uncertain significance (1); Likely benign (2). 1 of the submissions does not count toward it. Last evaluated 2024-10-24.

Conditions:
SLC25A15-related disorder. Also called: SLC25A15-related condition.
Hyperornithinemia-hyperammonemia-homocitrullinuria syndrome (HHHS). Also called: Ornithine translocase deficiency; HHH SYNDROME. Identifiers: Orphanet 415, MedGen C0268540, MONDO:0009393, OMIM 238970.

Allele frequency attached by ClinVar (database versions not stated): gnomAD exomes 0.00004 and 0.00011; ExAC 0.00007; gnomAD 0.00019; 1000 Genomes Project 0.00020; 1000 Genomes Project 30x 0.00031; TOPMed 0.00052.
gnomAD v4.1: 120 of 1,611,934 alleles (0.0074%); highest among the groups gnomAD compares: Admixed American, 0.068%; no homozygotes.

Submissions (4):

Labcorp Genetics (formerly Invitae), Labcorp
Classification: Uncertain significance for Hyperornithinemia-hyperammonemia-homocitrullinuria syndrome. Last evaluated: 2024-10-24. Review status: criteria provided, single submitter. Criteria: Invitae Variant Classification Sherloc (09022015). Collection method: clinical testing. Allele origin: germline.
Comment: This sequence change falls in intron 2 of the SLC25A15 gene. It does not directly change the encoded amino acid sequence of the SLC25A15 protein. It affects a nucleotide within the consensus splice site. This variant is present in population databases (rs200219313, gnomAD 0.04%). This variant has not been reported in the literature in individuals affected with SLC25A15-related conditions. ClinVar contains an entry for this variant (Variation ID: 509277). Variants that disrupt the consensus splice site are a relatively common cause of aberrant splicing (PMID: 17576681, 9536098). Algorithms developed to predict the effect of sequence changes on RNA splicing suggest that this variant is not likely to affect RNA splicing. In summary, the available evidence is currently insufficient to determine the role of this variant in disease. Therefore, it has been classified as a Variant of Uncertain Significance.

Blueprint Genetics
Classification: Likely benign. Last evaluated: 2024-07-29. Review status: criteria provided, single submitter. Criteria: ACMG Guidelines, 2015. Collection method: clinical testing. Allele origin: germline.

GeneDx
Classification: Likely benign. Last evaluated: 2017-05-10. Review status: criteria provided, single submitter. Criteria: GeneDx Variant Classification (06012015). Collection method: clinical testing. Allele origin: germline. Affected: yes.
Comment: This variant is considered likely benign or benign based on one or more of the following criteria: it is a conservative change, it occurs at a poorly conserved position in the protein, it is predicted to be benign by multiple in silico algorithms, and/or has population frequency not consistent with disease.

PreventionGenetics, part of Exact Sciences
Classification: Likely benign for SLC25A15-related condition. Last evaluated: 2019-08-10. Review status: no assertion criteria provided. Collection method: clinical testing. Allele origin: germline. Not counted in ClinVar's aggregate classification.
Comment: This variant is classified as likely benign based on ACMG/AMP sequence variant interpretation guidelines (Richards et al. 2015 PMID: 25741868, with internal and published modifications).

Literature cited by the submitters: PubMed 17576681 (cited by Labcorp Genetics (formerly Invitae), Labcorp); PubMed 9536098 (cited by Labcorp Genetics (formerly Invitae), Labcorp).

NM_014252.4(SLC25A15):c.55+6G>C

Gene: SLC25A15 (solute carrier family 25 member 15; plus strand). Cytogenetic location: 13q14.11.
Variant type: single nucleotide variant.
Coding change: c.55+6G>C on transcript NM_014252.4 (MANE Select); 6 bases into the intron after coding-DNA position 55, G replaced by C.
Molecular consequence: intron variant.
Genome position (GRCh38, 1-based): chr13:40,793,287, G>C. VCF-style: chr13-40793287-G-C. GRCh37 (hg19) VCF-style: chr13-41367423-G-C.
Identifiers: ClinVar variation 509277 (VCV000509277.8), dbSNP rs200219313, ClinGen allele CA6959595.